The following is an entry in ClinVar:

ClinVar aggregate classification (germline): Uncertain significance (1 of 4 stars; one submission).

Conditions:
Hypertrophic cardiomyopathy 14. Identifiers: MedGen C2750467, MONDO:0013197, OMIM 613251.

Allele frequency attached by ClinVar (database versions not stated): gnomAD exomes below 0.00001 and 0.00001; ExAC 0.00001.
gnomAD v4.1: 5 of 1,613,938 alleles (0.00031%); highest among the groups gnomAD compares: Middle Eastern, 0.017%; no homozygotes.

Submission:

Labcorp Genetics (formerly Invitae), Labcorp
Classification: Uncertain significance for Hypertrophic cardiomyopathy 14. Last evaluated: 2021-12-14. Review status: criteria provided, single submitter. Criteria: Invitae Variant Classification Sherloc (09022015). Collection method: clinical testing. Allele origin: germline.
Comment: In summary, the available evidence is currently insufficient to determine the role of this variant in disease. Therefore, it has been classified as a Variant of Uncertain Significance. Algorithms developed to predict the effect of sequence changes on RNA splicing suggest that this variant may disrupt the consensus splice site. Disruption of this splice site has been observed in individual(s) with clinical features of hypertrophic cardiomyopathy (PMID: 30716529). This variant is present in population databases (rs745523742, gnomAD 0.0009%). This sequence change affects a donor splice site in intron 19 of the MYH6 gene. It is expected to disrupt RNA splicing. Variants that disrupt the donor or acceptor splice site typically lead to a loss of protein function (PMID: 16199547), however the current clinical and genetic evidence is not sufficient to establish whether loss-of-function variants in MYH6 cause disease.

Literature cited by the submitters: PubMed 30716529; PubMed 16199547.

NM_002471.4(MYH6):c.2292+2T>C

Gene: MYH6 (myosin heavy chain 6; minus strand). Cytogenetic location: 14q11.2.
Variant type: single nucleotide variant.
Coding change: c.2292+2T>C on transcript NM_002471.4 (MANE Select); the canonical splice donor site of the intron after coding-DNA position 2292, T replaced by C.
Molecular consequence: splice donor variant.
Genome position (GRCh38, 1-based): chr14:23,396,692, A>G on the plus strand (T>C on the coding strand, the complement: MYH6 is on the minus strand). VCF-style: chr14-23396692-A-G. GRCh37 (hg19) VCF-style: chr14-23865901-A-G.
Identifiers: ClinVar variation 1425610 (VCV001425610.5), dbSNP rs745523742, ClinGen allele CA7115534.
Genomic context (GRCh38, chr14:23,396,692, plus strand): 5'-CTCTCTGCTCCACTCAACATGGCCACCTGCCCTGCAACCACCCAGTGGGGCTCTAGACTC[A>G]CCTTGGTGTGGCCAAACTTGTACTGGTTGTGATCAATGTCCAGAGAGCTGAGCAGCTTCT-3'